The following is an entry in ClinVar:

ClinVar aggregate classification (germline): Uncertain significance (1 of 4 stars; one submission).

Allele frequency attached by ClinVar (database versions not stated): gnomAD exomes below 0.00001.
gnomAD v4.1: 1 of 1,570,478 alleles (0.000064%); highest among the groups gnomAD compares: South Asian, 0.0012%; no homozygotes.

Submission:

Ambry Genetics
Classification: Uncertain significance. Last evaluated: 2025-04-10. Review status: criteria provided, single submitter. Criteria: Ambry Variant Classification Scheme 2023. Collection method: clinical testing. Allele origin: germline.
Comment: The p.S108G variant (also known as c.322A>G), located in coding exon 1 of the GALNT12 gene, results from an A to G substitution at nucleotide position 322. The serine at codon 108 is replaced by glycine, an amino acid with similar properties. This amino acid position is conserved. In addition, the in silico prediction for this alteration is inconclusive. Since supporting evidence is limited at this time, the clinical significance of this alteration remains unclear.

NM_024642.5(GALNT12):c.322A>G (p.Ser108Gly)

Gene: GALNT12 (polypeptide N-acetylgalactosaminyltransferase 12; plus strand). Cytogenetic location: 9q22.33.
Variant type: single nucleotide variant.
Coding change: c.322A>G on transcript NM_024642.5 (MANE Select); coding-DNA position 322, A replaced by G.
Protein change: p.Ser108Gly; replaces serine 108 with glycine.
Molecular consequence: missense variant.
Genome position (GRCh38, 1-based): chr9:98,808,020, A>G. VCF-style: chr9-98808020-A-G. GRCh37 (hg19) VCF-style: chr9-101570302-A-G.
Other names: short protein forms S108G.
Identifiers: ClinVar variation 1729161 (VCV001729161.3), dbSNP rs1332042794, ClinGen allele CA374222940.